The following is an entry in ClinVar:

NM_004370.6(COL12A1):c.7065A>C (p.Glu2355Asp)

Gene: COL12A1 (collagen type XII alpha 1 chain; minus strand). Cytogenetic location: 6q13.
Variant type: single nucleotide variant.
Coding change: c.7065A>C on transcript NM_004370.6 (MANE Select); coding-DNA position 7065, A replaced by C.
Protein change: p.Glu2355Asp; replaces glutamic acid 2355 with aspartic acid.
Molecular consequence: missense variant.
Genome position (GRCh38, 1-based): chr6:75,121,323, T>G on the plus strand (A>C on the coding strand, the complement: COL12A1 is on the minus strand). VCF-style: chr6-75121323-T-G. GRCh37 (hg19) VCF-style: chr6-75831039-T-G.
Other names: c.3573A>C, p.Glu1191Asp (NM_080645.3); short protein forms E1191D, E2355D.
Identifiers: ClinVar variation 654037 (VCV000654037.12), dbSNP rs1055080261, ClinGen allele CA141015297.

ClinVar aggregate classification (germline): Uncertain significance. Review status: criteria provided, multiple submitters, no conflicts (2 of 4 stars). 2 submissions from 2 submitters: Uncertain significance (2). Last evaluated 2024-05-27.

Conditions:
Ullrich congenital muscular dystrophy 2 (UCMD2). Identifiers: Orphanet 75840, MedGen C4225314, MONDO:0014654, OMIM 616470.
Bethlem myopathy 2 (BTHLM2). Identifiers: Orphanet 536516, Orphanet 610, MedGen C4225313, MONDO:0034022, OMIM 616471.

Allele frequency attached by ClinVar (database versions not stated): TOPMed 0.00002.
gnomAD v4.1: 9 of 1,608,538 alleles (0.00056%); highest among the groups gnomAD compares: Non-Finnish European, 0.00077%; 1 homozygote.

Submissions (2):

Labcorp Genetics (formerly Invitae), Labcorp
Classification: Uncertain significance for Bethlem myopathy 2; Ullrich congenital muscular dystrophy 2. Last evaluated: 2024-05-27. Review status: criteria provided, single submitter. Criteria: Invitae Variant Classification Sherloc (09022015). Collection method: clinical testing. Allele origin: germline.
Comment: This sequence change replaces glutamic acid, which is acidic and polar, with aspartic acid, which is acidic and polar, at codon 2355 of the COL12A1 protein (p.Glu2355Asp). This variant is present in population databases (no rsID available, gnomAD 0.002%). This variant has not been reported in the literature in individuals affected with COL12A1-related conditions. ClinVar contains an entry for this variant (Variation ID: 654037). Advanced modeling of protein sequence and biophysical properties (such as structural, functional, and spatial information, amino acid conservation, physicochemical variation, residue mobility, and thermodynamic stability) performed at Invitae indicates that this missense variant is not expected to disrupt COL12A1 protein function with a negative predictive value of 80%. In summary, the available evidence is currently insufficient to determine the role of this variant in disease. Therefore, it has been classified as a Variant of Uncertain Significance.

GeneDx
Classification: Uncertain significance. Last evaluated: 2024-03-24. Review status: criteria provided, single submitter. Criteria: GeneDx Variant Classification Process June 2021. Collection method: clinical testing. Allele origin: germline. Affected: yes.
Comment: Not observed at significant frequency in large population cohorts (gnomAD); In silico analysis supports that this missense variant does not alter protein structure/function; Has not been previously published as pathogenic or benign to our knowledge